The following is an entry in ClinVar:

NC_000002.11:g.(?_241808273)_(242708241_?)del

Genes: MTERF4 (mitochondrial transcription termination factor 4; minus strand), PASK (PAS domain containing serine/threonine kinase; minus strand), PPP1R7 (protein phosphatase 1 regulatory subunit 7; plus strand), AGXT (alanine--glyoxylate aminotransferase; plus strand), ANO7 (anoctamin 7; plus strand) and 12 more. Cytogenetic location: 2q37.3.
Variant type: Deletion.
Identifiers: ClinVar variation 830538 (VCV000830538.1).

ClinVar aggregate classification (germline): Pathogenic (1 of 4 stars; one submission).

Submission:

Labcorp Genetics (formerly Invitae), Labcorp
Classification: Pathogenic. Last evaluated: 2019-05-13. Review status: criteria provided, single submitter. Criteria: Invitae Variant Classification Sherloc (09022015). Collection method: clinical testing. Allele origin: germline.
Comment: A gross deletion of the genomic region encompassing the full coding sequence of the AGXT gene has been identified. The boundaries of this event are unknown as the deletion extends beyond the assayed region for this gene and therefore may encompass additional genes. This variant has not been reported in the literature in individuals with AGXT-related conditions. Loss-of-function variants in AGXT are known to be pathogenic (PMID: 19479957). For these reasons, this variant has been classified as Pathogenic.